The following is an entry in ClinVar:

ClinVar aggregate classification (germline): Benign/Likely benign. Review status: criteria provided, multiple submitters, no conflicts (2 of 4 stars). 11 submissions from 11 submitters: Benign (6); Likely benign (2). 3 of the submissions do not count toward it. Last evaluated 2026-09-01.

Conditions:
RELN-related disorder. Also called: RELN-related condition.
Familial temporal lobe epilepsy 7. Identifiers: Orphanet 101046, MedGen C4225327, MONDO:0014639, OMIM 616436.
Norman-Roberts syndrome (LIS2). Also called: Lissencephaly 2 (Norman-Roberts type). Identifiers: Orphanet 89844, MedGen C0796089, MONDO:0009760, OMIM 257320.

Allele frequency attached by ClinVar (database versions not stated): gnomAD exomes 0.00138; ExAC 0.00152; gnomAD 0.00442 and 0.00464; ESP Exome Variant Server 0.00461; TOPMed 0.00511; 1000 Genomes Project 30x 0.00531; 1000 Genomes Project 0.00579.
gnomAD v4.1: 1,534 of 1,613,442 alleles (0.095%); highest among the groups gnomAD compares: African/African-American, 1.5%; 5 homozygotes.

Submissions (11):

CeGaT Center for Human Genetics Tuebingen
Classification: Likely benign. Last evaluated: 2026-09-01. Review status: criteria provided, single submitter. Criteria: CeGaT Center For Human Genetics Tuebingen Variant Classification Criteria Version 2. Collection method: clinical testing. Allele origin: germline. Affected: yes. Observed: 7 variant alleles.
Comment: RELN: BP4, BP7, BS1

Labcorp Genetics (formerly Invitae), Labcorp
Classification: Benign for Familial temporal lobe epilepsy 7; Norman-Roberts syndrome. Last evaluated: 2026-02-03. Review status: criteria provided, single submitter. Criteria: Invitae Variant Classification Sherloc (09022015). Collection method: clinical testing. Allele origin: germline.

Blueprint Genetics
Classification: Likely benign. Last evaluated: 2024-11-26. Review status: criteria provided, single submitter. Criteria: ACMG Guidelines, 2015. Collection method: clinical testing. Allele origin: germline.

Illumina Laboratory Services, Illumina
Classification: Benign for Norman-Roberts syndrome. Last evaluated: 2018-01-12. Review status: criteria provided, single submitter. Criteria: ICSL Variant Classification Criteria 13 December 2019. Collection method: clinical testing. Allele origin: germline.
Comment: This variant was observed in the ICSL laboratory as part of a predisposition screen in an ostensibly healthy population. It had not been previously curated by ICSL or reported in the Human Gene Mutation Database (HGMD: prior to June 1st, 2018), and was therefore a candidate for classification through an automated scoring system. Utilizing variant allele frequency, disease prevalence and penetrance estimates, and inheritance mode, an automated score was calculated to assess if this variant is too frequent to cause the disease. Based on the score and internal cut-off values, a variant classified as benign is not then subjected to further curation. The score for this variant resulted in a classification of benign for this disease.

Genetic Services Laboratory, University of Chicago
Classification: Benign. Last evaluated: 2017-11-07. Review status: criteria provided, single submitter. Criteria: ACMG Guidelines, 2015. Collection method: clinical testing. Allele origin: germline. Affected: no.

Athena Diagnostics
Classification: Benign. Last evaluated: 2016-08-22. Review status: criteria provided, single submitter. Criteria: Athena Diagnostics Criteria. Collection method: clinical testing. Allele origin: germline.

GeneDx
Classification: Benign. Last evaluated: 2015-03-03. Review status: criteria provided, single submitter. Criteria: GeneDx Variant Classification Process June 2021. Collection method: clinical testing. Allele origin: germline. Affected: yes.

Breakthrough Genomics
Classification: Benign. Review status: criteria provided, single submitter. Criteria: ACMG Guidelines, 2015. Collection method: not provided. Allele origin: germline. Inheritance: Autosomal recessive inheritance. Affected: yes.

PreventionGenetics, part of Exact Sciences
Classification: Benign for RELN-related condition. Last evaluated: 2022-03-18. Review status: no assertion criteria provided. Collection method: clinical testing. Allele origin: germline. Not counted in ClinVar's aggregate classification.
Comment: This variant is classified as benign based on ACMG/AMP sequence variant interpretation guidelines (Richards et al. 2015 PMID: 25741868, with internal and published modifications).

Clinical Genetics DNA and cytogenetics Diagnostics Lab, Erasmus MC, Erasmus Medical Center
Classification: Benign. Review status: no assertion criteria provided. Collection method: clinical testing. Allele origin: germline. Affected: yes. Study: VKGL Data-share Consensus. Not counted in ClinVar's aggregate classification.

Clinical Genetics, Academic Medical Center
Classification: Likely benign. Review status: no assertion criteria provided. Collection method: clinical testing. Allele origin: germline. Affected: yes. Study: VKGL Data-share Consensus. Not counted in ClinVar's aggregate classification.

NM_005045.4(RELN):c.5775A>G (p.Arg1925=)

Gene: RELN (reelin; minus strand). Cytogenetic location: 7q22.1.
Variant type: single nucleotide variant.
Coding change: c.5775A>G on transcript NM_005045.4 (MANE Select); coding-DNA position 5775, A replaced by G.
Protein change: p.Arg1925=; no amino-acid change (arginine 1925 retained).
Molecular consequence: synonymous variant.
Genome position (GRCh38, 1-based): chr7:103,556,999, T>C on the plus strand (A>G on the coding strand, the complement: RELN is on the minus strand). VCF-style: chr7-103556999-T-C. GRCh37 (hg19) VCF-style: chr7-103197446-T-C.
Other names: c.5775A>G, p.Arg1925= (NM_173054.3).
Identifiers: ClinVar variation 130129 (VCV000130129.49), dbSNP rs2711866, ClinGen allele CA154924.